The following is an entry in ClinVar:

NM_000719.7(CACNA1C):c.1384C>G (p.Arg462Gly)

Gene: CACNA1C (calcium voltage-gated channel subunit alpha1 C; plus strand). Cytogenetic location: 12p13.33.
Variant type: single nucleotide variant.
Coding change: c.1384C>G on transcript NM_000719.7 (MANE Select); coding-DNA position 1384, C replaced by G.
Protein change: p.Arg462Gly; replaces arginine 462 with glycine.
Molecular consequence: missense variant.
Genome position (GRCh38, 1-based): chr12:2,512,978, C>G. VCF-style: chr12-2512978-C-G. GRCh37 (hg19) VCF-style: chr12-2622144-C-G.
Other names: c.1384C>G, p.Arg462Gly (NM_001129827.2, NM_001129829.2, NM_001129830.3 and 18 more transcripts); c.1375C>G, p.Arg459Gly (NM_001129844.2); short protein forms R462G, R459G.
Identifiers: ClinVar variation 216480 (VCV000216480.32), dbSNP rs761430418, ClinGen allele CA336508.
Genomic context (GRCh38, chr12:2,512,978, plus strand): 5'-ACTCAGGCCGAAGACATCGATCCTGAGAATGAGGACGAAGGCATGGATGAGGAGAAGCCC[C>G]GAAACAGTGAGCAGCCGTCTTCTTCTGTGTTTGGGCTGGGTTCTGGGGGAGAGGAGACAG-3'
Protein context (NP_000710.5, residues 452-472): EDEGMDEEKP[Arg462Gly]NMSMPTSETE

ClinVar aggregate classification (germline): Uncertain significance. Review status: criteria provided, multiple submitters, no conflicts (2 of 4 stars). 3 submissions from 3 submitters: Uncertain significance (3). Last evaluated 2025-05-30.

Conditions:
Long QT syndrome (LQTS). Identifiers: MedGen C0023976, MeSH D008133, MONDO:0002442. Disease mechanism: loss of function. Inheritance: Various modes of inheritance.

Allele frequency attached by ClinVar (database versions not stated): TOPMed below 0.00001; gnomAD 0.00001.
gnomAD v4.1: 7 of 1,600,198 alleles (0.00044%); highest among the groups gnomAD compares: Non-Finnish European, 0.00043%; no homozygotes.

Submissions (3):

Revvity Omics, Revvity
Classification: Uncertain significance. Last evaluated: 2025-05-30. Review status: criteria provided, single submitter. Criteria: ACMG Guidelines, 2015. Collection method: clinical testing. Allele origin: germline.

Labcorp Genetics (formerly Invitae), Labcorp
Classification: Uncertain significance for Long QT syndrome. Last evaluated: 2023-10-13. Review status: criteria provided, single submitter. Criteria: Invitae Variant Classification Sherloc (09022015). Collection method: clinical testing. Allele origin: germline.
Comment: This sequence change replaces arginine, which is basic and polar, with glycine, which is neutral and non-polar, at codon 462 of the CACNA1C protein (p.Arg462Gly). This variant is not present in population databases (gnomAD no frequency). This missense change has been observed in individual(s) with long QT syndrome (Invitae). ClinVar contains an entry for this variant (Variation ID: 216480). Advanced modeling of protein sequence and biophysical properties (such as structural, functional, and spatial information, amino acid conservation, physicochemical variation, residue mobility, and thermodynamic stability) performed at Invitae indicates that this missense variant is not expected to disrupt CACNA1C protein function. In summary, the available evidence is currently insufficient to determine the role of this variant in disease. Therefore, it has been classified as a Variant of Uncertain Significance.

CeGaT Center for Human Genetics Tuebingen
Classification: Uncertain significance. Last evaluated: 2022-08-01. Review status: criteria provided, single submitter. Criteria: CeGaT Center For Human Genetics Tuebingen Variant Classification Criteria Version 2. Collection method: clinical testing. Allele origin: germline. Affected: yes. Observed: 1 variant allele.
Comment: CACNA1C: PP2